The following is an entry in ClinVar:

NM_001042492.3(NF1):c.3291del (p.Ala1098fs)

Gene: NF1 (neurofibromin 1; plus strand). Cytogenetic location: 17q11.2.
Variant type: Deletion.
Coding change: c.3291del on transcript NM_001042492.3 (MANE Select); coding-DNA position 3291, one base deleted (A; older notation c.3291delA).
Protein change: p.Ala1098fs; shifts the reading frame from alanine 1098.
Molecular consequence: frameshift variant.
Genome position (GRCh38, 1-based): chr17:31,232,166, A deleted; the last of 2 consecutive A bases (chr17:31,232,165-31,232,166); deleting either gives the same sequence. VCF-style (leftmost placement, unchanged base first): chr17-31232164-GA-G. GRCh37 (hg19) VCF-style: chr17-29559182-GA-G.
Other names: c.3291delA, p.Ala1098Profs (NM_000267.4); short protein forms A1098fs.
Identifiers: ClinVar variation 3384018 (VCV003384018.1).
Genomic context (GRCh38, chr17:31,232,164, plus strand): 5'-GTTTCACTTCTAGCTGGTCTCCCTCTGCAGCCTGAAGAAGGAGATGGTGTGGAATTGATG[GA>G]AGCCAAATCACAGTTATTTCTTAAGTAAATTTCAGTCACCAAAAAACATAAAGCAAAAAG-3'

ClinVar aggregate classification (germline): Likely pathogenic (1 of 4 stars; one submission).

Conditions:
Café-au-lait macules with pulmonary stenosis (WTSN). Also called: PULMONIC STENOSIS WITH CAFE-AU-LAIT SPOTS. Identifiers: MedGen C0553586, MONDO:0008672, OMIM 193520.

Submission:

Dubai Health Genomic Medicine Center, Dubai Health
Classification: Likely pathogenic for Watson syndrome. Last evaluated: 2024-10-04. Review status: criteria provided, single submitter. Criteria: ACMG Guidelines, 2015. Collection method: research. Allele origin: germline. Affected: yes.
Comment: PVS1,PM2